The following is an entry in ClinVar:

ClinVar aggregate classification (germline): Uncertain significance (1 of 4 stars; one submission).

Submission:

Ambry Genetics
Classification: Uncertain significance. Last evaluated: 2024-07-27. Review status: criteria provided, single submitter. Criteria: Ambry Variant Classification Scheme 2023. Collection method: clinical testing. Allele origin: germline.
Comment: The p.S1516N variant (also known as c.4547G>A), located in coding exon 4 of the ALPK2 gene, results from a G to A substitution at nucleotide position 4547. The serine at codon 1516 is replaced by asparagine, an amino acid with highly similar properties. This amino acid position is conserved. In addition, this alteration is predicted to be tolerated by in silico analysis. Based on the available evidence, the clinical significance of this variant remains unclear.

NM_052947.4(ALPK2):c.4547G>A (p.Ser1516Asn)

Genes: ALPK2 (alpha kinase 2; minus strand), LOC126862764 (BRD4-independent group 4 enhancer GRCh37_chr18:56202574-56203773; plus strand). Cytogenetic location: 18q21.31.
Variant type: single nucleotide variant.
Coding change: c.4547G>A on transcript NM_052947.4 (MANE Select); coding-DNA position 4547, G replaced by A.
Protein change: p.Ser1516Asn; replaces serine 1516 with asparagine.
Molecular consequence: missense variant.
Genome position (GRCh38, 1-based): chr18:58,535,640, C>T on the plus strand (G>A on the coding strand, the complement: ALPK2 is on the minus strand). VCF-style: chr18-58535640-C-T. GRCh37 (hg19) VCF-style: chr18-56202872-C-T.
Other names: short protein forms S1516N.
Identifiers: ClinVar variation 3530888 (VCV003530888.1).
Genomic context (GRCh38, chr18:58,535,640, plus strand): 5'-GAAATCAATTCTGCTTTGTCCTTTTTGCTTTGCTCAGCCTCCCCTAAGCTCCCATCACTG[C>T]TTTCTTGTATTTGGCCTATGCTACATCCACTTGGAATTCTTTCACCGCCTTCGCTGGGTT-3'
Protein context (NP_443179.3, residues 1506-1526): SGCSIGQIQE[Ser1516Asn]SDGSLGEAEQ